The following is an entry in ClinVar:

NM_000540.3(RYR1):c.4225C>T (p.Arg1409Ter)

Gene: RYR1 (ryanodine receptor 1; plus strand). Cytogenetic location: 19q13.2.
Variant type: single nucleotide variant.
Coding change: c.4225C>T on transcript NM_000540.3 (MANE Select); coding-DNA position 4225, C replaced by T.
Protein change: p.Arg1409Ter; replaces arginine 1409 with a stop codon.
Molecular consequence: nonsense.
Genome position (GRCh38, 1-based): chr19:38,475,382, C>T. VCF-style: chr19-38475382-C-T. GRCh37 (hg19) VCF-style: chr19-38966022-C-T.
Other names: c.4225C>T, p.Arg1409Ter (NM_001042723.2); short protein forms R1409*.
Identifiers: ClinVar variation 159849 (VCV000159849.17), dbSNP rs587784376, ClinGen allele CA024435.
Genomic context (GRCh38, chr19:38,475,382, plus strand): 5'-TTATTCAAGGCCAAGAAGGTCGCCATGATGACCCAGCCACCGGCCACCCCCACGCTGCCC[C>T]GACTCCCTCACGACGTGGTGCCTGCAGACAACCGCGATGACCCCGAGATCATCCTCAACA-3'

ClinVar aggregate classification (germline): Conflicting classifications of pathogenicity. Review status: criteria provided, conflicting classifications (1 of 4 stars). 7 submissions from 7 submitters: Pathogenic (4); Likely pathogenic (1); Uncertain significance (1). 1 of the submissions does not count toward it. Last evaluated 2025-06-19.

Conditions:
King Denborough syndrome (KDS). Identifiers: MedGen C1840365, MONDO:0020485, OMIM 619542.
Malignant hyperthermia, susceptibility to, 1 (MHS1). Also called: Anesthesia related hyperthermia; Malignant hyperpyrexia; Fulminating hyperpyrexia; Pharmacogenic myopathy; RYR1-Related Malignant Hyperthermia Susceptibility; Malignant hyperthermia suceptibility 1. Identifiers: Orphanet 423, MedGen C2930980, MONDO:0007783, OMIM 145600.
Central core myopathy (CMYO1A). Also called: Central core disease; Myopathy, central fibrillar; CONGENITAL MYOPATHY 1A, AUTOSOMAL DOMINANT, WITH SUSCEPTIBILITY TO MALIGNANT HYPERTHERMIA. Identifiers: Orphanet 597, MedGen C5830701, MONDO:0007294, OMIM 117000.
Congenital multicore myopathy with external ophthalmoplegia (CMYO1B). Also called: Congenital myopathy 1B, autosomal recessive; Minicore myopathy; MULTICORE MYOPATHY; Minicore myopathy with external ophthalmoplegia; MULTIMINICORE DISEASE WITH EXTERNAL OPHTHALMOPLEGIA. Identifiers: Orphanet 598, Orphanet 98905, MedGen C1850674, MONDO:0009712, OMIM 255320, HP:0003789.
RYR1-related disorder. Also called: RYR1-related disorders; RYR1-related condition. Identifiers: MedGen CN239331.

Allele frequency attached by ClinVar (database versions not stated): gnomAD exomes below 0.00001 and 0.00001; gnomAD 0.00001; TOPMed 0.00001.
gnomAD v4.1: 22 of 1,613,580 alleles (0.0014%); highest among the groups gnomAD compares: Non-Finnish European, 0.0017%; no homozygotes.

Submissions (7):

Women's Health and Genetics/Laboratory Corporation of America, LabCorp
Classification: Pathogenic for Congenital multicore myopathy with external ophthalmoplegia. Last evaluated: 2025-06-19. Review status: criteria provided, single submitter. Criteria: LabCorp Variant Classification Summary - May 2015. Collection method: clinical testing. Allele origin: germline.
Comment: Variant summary: RYR1 c.4225C>T (p.Arg1409X) results in a premature termination codon, predicted to cause a truncation of the encoded protein or absence of the protein due to nonsense mediated decay, which are commonly known mechanisms for disease. The variant allele was found at a frequency of 4e-06 in 249982 control chromosomes. c.4225C>T has been observed in an individual affected with Congenital multicore myopathy with external ophthalmoplegia (Garibaldi_2019). To our knowledge, no experimental evidence demonstrating an impact on protein function has been reported. The following publication have been ascertained in the context of this evaluation (PMID: 30611313). ClinVar contains an entry for this variant (Variation ID: 159849). Based on the evidence outlined above, the variant was classified as pathogenic.

Fulgent Genetics
Classification: Pathogenic for Central core myopathy; Malignant hyperthermia, susceptibility to, 1; Congenital multicore myopathy with external ophthalmoplegia; King Denborough syndrome. Last evaluated: 2024-06-17. Review status: criteria provided, single submitter. Criteria: ACMG Guidelines, 2015. Collection method: clinical testing. Allele origin: germline.

Labcorp Genetics (formerly Invitae), Labcorp
Classification: Pathogenic for RYR1-related disorder. Last evaluated: 2023-11-14. Review status: criteria provided, single submitter. Criteria: Invitae Variant Classification Sherloc (09022015). Collection method: clinical testing. Allele origin: germline.
Comment: This sequence change creates a premature translational stop signal (p.Arg1409*) in the RYR1 gene. It is expected to result in an absent or disrupted protein product. Loss-of-function variants in RYR1 are known to be pathogenic (PMID: 23919265, 25960145, 28818389, 30611313). The frequency data for this variant in the population databases is considered unreliable, as metrics indicate poor data quality at this position in the gnomAD database. This premature translational stop signal has been observed in individual(s) with central core disease (PMID: 30611313). ClinVar contains an entry for this variant (Variation ID: 159849). For these reasons, this variant has been classified as Pathogenic.

Color Diagnostics, LLC DBA Color Health
Classification: Uncertain significance for Malignant hyperthermia, susceptibility to, 1. Last evaluated: 2023-09-07. Review status: criteria provided, single submitter. Criteria: ACMG Guidelines, 2015. Collection method: clinical testing. Allele origin: germline.
Comment: This variant changes 1 nucleotide in exon 29 of the RYR1 gene, creating a premature translation stop signal. This variant is expected to result in an absent or non-functional protein product. This variant has not been reported in individuals affected with autosomal dominant malignant hyperthermia in the literature, although it has been reported in other phenotype(s) (PMID: 30611313, 33176865). This variant has been identified in 1/249982 chromosomes in the general population by the Genome Aggregation Database (gnomAD). Loss of RYR1 function due to truncation variants is not an established disease mechanism for autosomal dominant malignant hyperthermia, although it is associated with other phenotype(s). Due to insufficient evidence, this variant is classified as a Variant of Uncertain Significance for autosomal dominant malignant hyperthermia.

Blueprint Genetics
Classification: Likely pathogenic for RYR1-related disorders. Last evaluated: 2020-11-03. Review status: criteria provided, single submitter. Criteria: ACMG Guidelines, 2015. Collection method: clinical testing. Allele origin: germline. Affected: yes. Observed: 2 variant alleles.

Genetic Services Laboratory, University of Chicago
Classification: Pathogenic. Last evaluated: 2013-12-02. Review status: criteria provided, single submitter. Criteria: ACMG Guidelines, 2007. Collection method: clinical testing. Allele origin: germline. Inheritance: Autosomal unknown. Affected: yes.

All of Us Research Program, National Institutes of Health
Classification: Uncertain significance for Malignant hyperthermia, susceptibility to, 1. Last evaluated: 2023-10-02. Review status: flagged submission. Criteria: ACMG Guidelines, 2015. Collection method: clinical testing. Allele origin: germline. Inheritance: Autosomal dominant inheritance. Observed: 2 variant alleles, 2 heterozygotes. Not counted in ClinVar's aggregate classification.
Comment: This variant changes 1 nucleotide in exon 29 of the RYR1 gene, creating a premature translation stop signal. This variant is expected to result in an absent or non-functional protein product. This variant has not been reported in individuals affected with autosomal dominant malignant hyperthermia in the literature, although it has been reported in other phenotype(s) (PMID: 30611313, 33176865). This variant has been identified in 1/249982 chromosomes in the general population by the Genome Aggregation Database (gnomAD). Loss of RYR1 function due to truncation variants is not an established disease mechanism for autosomal dominant malignant hyperthermia, although it is associated with other phenotype(s). Due to insufficient evidence, this variant is classified as a Variant of Uncertain Significance for autosomal dominant malignant hyperthermia.

This study involves interpretation of variants in research participants for the purpose of population health screening. Participant phenotype was not available at the time of variant classification. Additional details can be found in publication PMID: 35346344, PMCID: PMC8962531
ClinVar note: Reason: Outlier claim with insufficient supporting evidence

Literature cited by the submitters: PubMed 30611313 (cited by 4 submitters); PubMed 23919265 (cited by Labcorp Genetics (formerly Invitae), Labcorp); PubMed 25960145 (cited by Labcorp Genetics (formerly Invitae), Labcorp); PubMed 28818389 (cited by Labcorp Genetics (formerly Invitae), Labcorp); PubMed 33176865 (cited by Color Diagnostics, LLC DBA Color Health and All of Us Research Program, National Institutes of Health).